The following is an entry in ClinVar:

ClinVar aggregate classification (germline): Conflicting classifications of pathogenicity. Review status: criteria provided, conflicting classifications (1 of 4 stars). 3 submissions from 3 submitters: Uncertain significance (1); Likely benign (2). Last evaluated 2025-06-01.

Conditions:
Combined oxidative phosphorylation defect type 4. Identifiers: Orphanet 254925, MedGen C1857682, MONDO:0012534, OMIM 610678.

Allele frequency attached by ClinVar (database versions not stated): ExAC 0.00001; gnomAD 0.00002; gnomAD exomes 0.00002; TOPMed 0.00002.

Submissions (3):

CeGaT Center for Human Genetics Tuebingen
Classification: Likely benign. Last evaluated: 2025-06-01. Review status: criteria provided, single submitter. Criteria: CeGaT Center For Human Genetics Tuebingen Variant Classification Criteria Version 2. Collection method: clinical testing. Allele origin: germline. Affected: yes. Observed: 1 variant allele.
Comment: TUFM: BP4, BP7

Labcorp Genetics (formerly Invitae), Labcorp
Classification: Likely benign. Last evaluated: 2024-02-05. Review status: criteria provided, single submitter. Criteria: Invitae Variant Classification Sherloc (09022015). Collection method: clinical testing. Allele origin: germline.

Illumina Laboratory Services, Illumina
Classification: Uncertain significance for Combined oxidative phosphorylation defect type 4. Last evaluated: 2018-01-13. Review status: criteria provided, single submitter. Criteria: ICSL Variant Classification Criteria 13 December 2019. Collection method: clinical testing. Allele origin: germline.

NM_003321.5(TUFM):c.975C>T (p.Leu325=)

Gene: TUFM (Tu translation elongation factor, mitochondrial; minus strand). Cytogenetic location: 16p11.2.
Variant type: single nucleotide variant.
Coding change: c.975C>T on transcript NM_003321.5 (MANE Select); coding-DNA position 975, C replaced by T.
Protein change: p.Leu325=; no amino-acid change (leucine 325 retained).
Molecular consequence: synonymous variant.
Genome position (GRCh38, 1-based): chr16:28,844,049, G>A on the plus strand (C>T on the coding strand, the complement: TUFM is on the minus strand). VCF-style: chr16-28844049-G-A. GRCh37 (hg19) VCF-style: chr16-28855370-G-A.
Other names: c.891C>T, p.Leu297= (NM_001365360.2).
Identifiers: ClinVar variation 318744 (VCV000318744.19), dbSNP rs757569717, ClinGen allele CA7985453.